The following is an entry in ClinVar:

NM_138694.4(PKHD1):c.5958C>T (p.His1986=)

Gene: PKHD1 (PKHD1 ciliary IPT domain containing fibrocystin/polyductin; minus strand). Cytogenetic location: 6p12.2.
Variant type: single nucleotide variant.
Coding change: c.5958C>T on transcript NM_138694.4 (MANE Select); coding-DNA position 5958, C replaced by T.
Protein change: p.His1986=; no amino-acid change (histidine 1986 retained).
Molecular consequence: synonymous variant.
Genome position (GRCh38, 1-based): chr6:51,934,273, G>A on the plus strand (C>T on the coding strand, the complement: PKHD1 is on the minus strand). VCF-style: chr6-51934273-G-A. GRCh37 (hg19) VCF-style: chr6-51799071-G-A.
Other names: c.5958C>T, p.His1986= (NM_170724.3); c.5958C>T (NM_138694.3).
Identifiers: ClinVar variation 1119649 (VCV001119649.37), dbSNP rs745388926, ClinGen allele CA3852371.

ClinVar aggregate classification (germline): Likely benign. Review status: criteria provided, multiple submitters, no conflicts (2 of 4 stars). 4 submissions from 4 submitters: Likely benign (3). 1 of the submissions does not count toward it. Last evaluated 2023-12-14.

Conditions:
Polycystic kidney disease 4 (PKD4). Also called: POLYCYSTIC KIDNEY DISEASE 4 WITH OR WITHOUT POLYCYSTIC LIVER DISEASE; PKD3; Autosomal Recessive Polycystic Kidney Disease – PKHD1; POLYCYSTIC KIDNEY AND HEPATIC DISEASE 1; POLYCYSTIC KIDNEY DISEASE, INFANTILE, TYPE I. Identifiers: MedGen C4540575, MONDO:0033004, OMIM 263200.
PKHD1-related disorder. Also called: PKHD1-related condition.
Autosomal recessive polycystic kidney disease (ARPKD). Also called: AR polycystic kidney disease. Identifiers: Orphanet 731, Orphanet 8378, MedGen C0085548, MeSH D017044, MONDO:0009889.

Allele frequency attached by ClinVar (database versions not stated): gnomAD 0.00004; TOPMed 0.00005.
gnomAD v4.1: 56 of 1,613,518 alleles (0.0035%); highest among the groups gnomAD compares: Non-Finnish European, 0.0042%; no homozygotes.

Submissions (4):

Labcorp Genetics (formerly Invitae), Labcorp
Classification: Likely benign for Autosomal recessive polycystic kidney disease. Last evaluated: 2023-12-14. Review status: criteria provided, single submitter. Criteria: Invitae Variant Classification Sherloc (09022015). Collection method: clinical testing. Allele origin: germline.

CeGaT Center for Human Genetics Tuebingen
Classification: Likely benign. Last evaluated: 2023-06-01. Review status: criteria provided, single submitter. Criteria: CeGaT Center For Human Genetics Tuebingen Variant Classification Criteria Version 2. Collection method: clinical testing. Allele origin: germline. Affected: yes. Observed: 1 variant allele.
Comment: PKHD1: BP4, BP7

Fulgent Genetics
Classification: Likely benign for Polycystic kidney disease 4. Last evaluated: 2022-04-18. Review status: criteria provided, single submitter. Criteria: ACMG Guidelines, 2015. Collection method: clinical testing. Allele origin: unknown.

PreventionGenetics, part of Exact Sciences
Classification: Likely benign for PKHD1-related condition. Last evaluated: 2023-09-25. Review status: no assertion criteria provided. Collection method: clinical testing. Allele origin: germline. Not counted in ClinVar's aggregate classification.
Comment: This variant is classified as likely benign based on ACMG/AMP sequence variant interpretation guidelines (Richards et al. 2015 PMID: 25741868, with internal and published modifications).